The following is an entry in ClinVar:

ClinVar aggregate classification (germline): Uncertain significance. Review status: criteria provided, multiple submitters, no conflicts (2 of 4 stars). 2 submissions from 2 submitters: Uncertain significance (2). Last evaluated 2025-09-26.

Conditions:
Arrhythmogenic right ventricular dysplasia 13. Also called: ARRHYTHMOGENIC RIGHT VENTRICULAR CARDIOMYOPATHY 13; Arrhythmogenic right ventricular dysplasia, familial, 13. Identifiers: MedGen C3810138, MONDO:0000908, OMIM 615616.

Allele frequency attached by ClinVar (database versions not stated): TOPMed 0.00012; gnomAD 0.00013; gnomAD exomes 0.00001; ExAC 0.00002; ESP Exome Variant Server 0.00008.
gnomAD v4.1: 34 of 1,612,390 alleles (0.0021%); highest among the groups gnomAD compares: African/African-American, 0.037%; no homozygotes.

Submissions (2):

Ambry Genetics
Classification: Uncertain significance. Last evaluated: 2025-09-26. Review status: criteria provided, single submitter. Criteria: Ambry Variant Classification Scheme 2023. Collection method: clinical testing. Allele origin: germline.

Labcorp Genetics (formerly Invitae), Labcorp
Classification: Uncertain significance for Arrhythmogenic right ventricular dysplasia 13. Last evaluated: 2023-02-14. Review status: criteria provided, single submitter. Criteria: Invitae Variant Classification Sherloc (09022015). Collection method: clinical testing. Allele origin: germline.
Comment: In summary, the available evidence is currently insufficient to determine the role of this variant in disease. Therefore, it has been classified as a Variant of Uncertain Significance. Advanced modeling of protein sequence and biophysical properties (such as structural, functional, and spatial information, amino acid conservation, physicochemical variation, residue mobility, and thermodynamic stability) has been performed at Invitae for this missense variant, however the output from this modeling did not meet the statistical confidence thresholds required to predict the impact of this variant on CTNNA3 protein function. ClinVar contains an entry for this variant (Variation ID: 1789315). This variant has not been reported in the literature in individuals affected with CTNNA3-related conditions. This variant is present in population databases (rs368637046, gnomAD 0.04%), and has an allele count higher than expected for a pathogenic variant. This sequence change replaces tyrosine, which is neutral and polar, with histidine, which is basic and polar, at codon 768 of the CTNNA3 protein (p.Tyr768His).

NM_013266.4(CTNNA3):c.2302T>C (p.Tyr768His)

Gene: CTNNA3 (catenin alpha 3; minus strand). Cytogenetic location: 10q21.3.
Variant type: single nucleotide variant.
Coding change: c.2302T>C on transcript NM_013266.4 (MANE Select); coding-DNA position 2302, T replaced by C.
Protein change: p.Tyr768His; replaces tyrosine 768 with histidine.
Molecular consequence: missense variant.
Genome position (GRCh38, 1-based): chr10:65,966,710, A>G on the plus strand (T>C on the coding strand, the complement: CTNNA3 is on the minus strand). VCF-style: chr10-65966710-A-G. GRCh37 (hg19) VCF-style: chr10-67726468-A-G.
Other names: c.2302T>C, p.Tyr768His (NM_001127384.3); short protein forms Y768H.
Identifiers: ClinVar variation 1789315 (VCV001789315.9), dbSNP rs368637046, ClinGen allele CA5519629.
Genomic context (GRCh38, chr10:65,966,710, plus strand): 5'-CAGCTTTAACTTGACTGCAGATTTTCAGTTGGTGGGAGTAGAACTTAATCTGTTCCAGGT[A>G]GGCCAACAAGTCCTGTTTACAAGATGGATCTGGGCACTAAATATGAATCAAAGATAAAAA-3'
Protein context (NP_037398.2, residues 758-778): DPSCKQDLLA[Tyr768His]LEQIKFYSHQ